The following is an entry in ClinVar:

NM_000193.4(SHH):c.1027G>A (p.Gly343Ser)

Gene: SHH (sonic hedgehog signaling molecule; minus strand). Cytogenetic location: 7q36.3.
Variant type: single nucleotide variant.
Coding change: c.1027G>A on transcript NM_000193.4 (MANE Select); coding-DNA position 1027, G replaced by A.
Protein change: p.Gly343Ser; replaces glycine 343 with serine.
Molecular consequence: missense variant. On other transcripts: intron variant (1).
Genome position (GRCh38, 1-based): chr7:155,803,262, C>T on the plus strand (G>A on the coding strand, the complement: SHH is on the minus strand). VCF-style: chr7-155803262-C-T. GRCh37 (hg19) VCF-style: chr7-155595956-C-T.
Other names: c.302-3017G>A (NM_001310462.2); short protein forms G343S.
Identifiers: ClinVar variation 3683997 (VCV003683997.2).

ClinVar aggregate classification (germline): Uncertain significance (1 of 4 stars; one submission).

Conditions:
Holoprosencephaly 3 (HPE3). Identifiers: Orphanet 2162, MedGen C1840529, MONDO:0007733, OMIM 142945.

gnomAD v4.1: 1 of 1,511,298 alleles (0.000066%); no homozygotes.

Submission:

Labcorp Genetics (formerly Invitae), Labcorp
Classification: Uncertain significance for Holoprosencephaly 3. Last evaluated: 2024-03-12. Review status: criteria provided, single submitter. Criteria: Invitae Variant Classification Sherloc (09022015). Collection method: clinical testing. Allele origin: germline.
Comment: This sequence change replaces glycine, which is neutral and non-polar, with serine, which is neutral and polar, at codon 343 of the SHH protein (p.Gly343Ser). This variant is not present in population databases (gnomAD no frequency). This variant has not been reported in the literature in individuals affected with SHH-related conditions. Advanced modeling of protein sequence and biophysical properties (such as structural, functional, and spatial information, amino acid conservation, physicochemical variation, residue mobility, and thermodynamic stability) has been performed at Invitae for this missense variant, however the output from this modeling did not meet the statistical confidence thresholds required to predict the impact of this variant on SHH protein function. In summary, the available evidence is currently insufficient to determine the role of this variant in disease. Therefore, it has been classified as a Variant of Uncertain Significance.